The following is an entry in ClinVar:

ClinVar aggregate classification (germline): Pathogenic (1 of 4 stars; one submission).

Submission:

Labcorp Genetics (formerly Invitae), Labcorp
Classification: Pathogenic. Last evaluated: 2022-07-06. Review status: criteria provided, single submitter. Criteria: Invitae Variant Classification Sherloc (09022015). Collection method: clinical testing. Allele origin: germline.
Comment: This sequence change creates a premature translational stop signal (p.Trp5408Cysfs*17) in the ADGRV1 gene. It is expected to result in an absent or disrupted protein product. Loss-of-function variants in ADGRV1 are known to be pathogenic (PMID: 19357117, 22135276, 22147658, 26226137, 30718709, 31047384, 32467589). This variant is not present in population databases (gnomAD no frequency). This variant has not been reported in the literature in individuals affected with ADGRV1-related conditions. For these reasons, this variant has been classified as Pathogenic. ClinVar contains an entry for this variant (Variation ID: 1453295).

Literature cited by the submitters: PubMed 19357117; PubMed 22135276; PubMed 22147658; PubMed 26226137; PubMed 30718709; PubMed 31047384; PubMed 32467589.

NM_032119.4(ADGRV1):c.16224del (p.Trp5408fs)

Gene: ADGRV1 (adhesion G protein-coupled receptor V1; plus strand). Cytogenetic location: 5q14.3.
Variant type: Deletion.
Coding change: c.16224del on transcript NM_032119.4 (MANE Select); coding-DNA position 16224, one base deleted (G; older notation c.16224delG).
Protein change: p.Trp5408fs; shifts the reading frame from tryptophan 5408.
Molecular consequence: frameshift variant. On other transcripts: non-coding transcript variant (1).
Genome position (GRCh38, 1-based): chr5:90,823,452, G deleted; the last of 2 consecutive G bases (chr5:90,823,451-90,823,452); deleting either gives the same sequence. VCF-style (leftmost placement, unchanged base first): chr5-90823450-TG-T. GRCh37 (hg19) VCF-style: chr5-90119267-TG-T.
Other names: short protein forms W5408fs.
Identifiers: ClinVar variation 1453295 (VCV001453295.6), dbSNP rs2150301177, ClinGen allele CA2573140031.